The following is an entry in ClinVar:

ClinVar aggregate classification (germline): Conflicting classifications of pathogenicity. Review status: criteria provided, conflicting classifications (1 of 4 stars). 2 submissions from 2 submitters: Uncertain significance (1); Likely benign (1). Last evaluated 2026-04-13.

Conditions:
PURA-related severe neonatal hypotonia-seizures-encephalopathy syndrome (NEDRIHF). Also called: NEURODEVELOPMENTAL DISORDER WITH NEONATAL RESPIRATORY INSUFFICIENCY, HYPOTONIA, AND FEEDING DIFFICULTIES; PURA-Related Neurodevelopmental Disorders. Identifiers: Orphanet 438213, Orphanet 438216, MedGen C4015357, MONDO:1060108, OMIM 616158, MONDO:0018580.

Submissions (2):

GeneDx
Classification: Uncertain significance. Last evaluated: 2026-04-13. Review status: criteria provided, single submitter. Criteria: GeneDx Variant Classification Process June 2021. Collection method: clinical testing. Allele origin: germline.
Comment: Not observed at significant frequency in large population cohorts (gnomAD); In silico analysis suggests that this missense variant does not alter protein structure/function; Has not been previously published as pathogenic or benign to our knowledge

Labcorp Genetics (formerly Invitae), Labcorp
Classification: Likely benign for PURA-related severe neonatal hypotonia-seizures-encephalopathy syndrome. Last evaluated: 2023-08-17. Review status: criteria provided, single submitter. Criteria: Invitae Variant Classification Sherloc (09022015). Collection method: clinical testing. Allele origin: germline.

NM_005859.5(PURA):c.112G>A (p.Gly38Arg)

Gene: PURA (purine rich element binding protein A; plus strand). Cytogenetic location: 5q31.3.
Variant type: single nucleotide variant.
Coding change: c.112G>A on transcript NM_005859.5 (MANE Select); coding-DNA position 112, G replaced by A.
Protein change: p.Gly38Arg; replaces glycine 38 with arginine.
Molecular consequence: missense variant.
Genome position (GRCh38, 1-based): chr5:140,114,293, G>A. VCF-style: chr5-140114293-G-A. GRCh37 (hg19) VCF-style: chr5-139493878-G-A.
Other names: short protein forms G38R.
Identifiers: ClinVar variation 2809254 (VCV002809254.4), dbSNP rs2479504140, ClinGen allele CA361489333.